The following is an entry in ClinVar:

NM_020987.5(ANK3):c.9143C>G (p.Ser3048Cys)

Gene: ANK3 (ankyrin 3; minus strand). Cytogenetic location: 10q21.2.
Variant type: single nucleotide variant.
Coding change: c.9143C>G on transcript NM_020987.5 (MANE Select); coding-DNA position 9143, C replaced by G.
Protein change: p.Ser3048Cys; replaces serine 3048 with cysteine.
Molecular consequence: missense variant. On other transcripts: intron variant (4).
Genome position (GRCh38, 1-based): chr10:60,071,738, G>C on the plus strand (C>G on the coding strand, the complement: ANK3 is on the minus strand). VCF-style: chr10-60071738-G-C. GRCh37 (hg19) VCF-style: chr10-61831496-G-C.
Other names: c.4388-3729C>G (NM_001204403.2); c.4409-3729C>G (NM_001204404.2); c.4406-3729C>G (NM_001320874.2); c.1808-3729C>G (NM_001149.4); short protein forms S3048C.
Identifiers: ClinVar variation 2860451 (VCV002860451.3), dbSNP rs2492535507, ClinGen allele CA377003874.
Genomic context (GRCh38, chr10:60,071,738, plus strand): 5'-TGGTCGAATACATCACTAGAGGGAGATTCCTTTCCTGGGCTAAACTCTAAAGAATCAGGA[G>C]ATTTGGTGGGGGAGGTTTCGGTTTCCTCGAGAGGTGGGCATAAACCTACATAACTCTGGT-3'
Protein context (NP_066267.2, residues 3038-3058): LEETETSPTK[Ser3048Cys]PDSLEFSPGK

ClinVar aggregate classification (germline): Uncertain significance (1 of 4 stars; one submission).

Submission:

Labcorp Genetics (formerly Invitae), Labcorp
Classification: Uncertain significance. Last evaluated: 2023-12-11. Review status: criteria provided, single submitter. Criteria: Invitae Variant Classification Sherloc (09022015). Collection method: clinical testing. Allele origin: germline.
Comment: This sequence change replaces serine, which is neutral and polar, with cysteine, which is neutral and slightly polar, at codon 3048 of the ANK3 protein (p.Ser3048Cys). This variant is not present in population databases (gnomAD no frequency). This variant has not been reported in the literature in individuals affected with ANK3-related conditions. An algorithm developed to predict the effect of missense changes on protein structure and function (PolyPhen-2) suggests that this variant is likely to be disruptive. In summary, the available evidence is currently insufficient to determine the role of this variant in disease. Therefore, it has been classified as a Variant of Uncertain Significance.